The following is an entry in ClinVar:

NM_003227.4(TFR2):c.2098G>T (p.Glu700Ter)

Genes: TFR2 (transferrin receptor 2; minus strand), LOC113687175 (Sharpr-MPRA regulatory region 4647; plus strand). Cytogenetic location: 7q22.1.
Variant type: single nucleotide variant.
Coding change: c.2098G>T on transcript NM_003227.4 (MANE Select); coding-DNA position 2098, G replaced by T.
Protein change: p.Glu700Ter; replaces glutamic acid 700 with a stop codon.
Molecular consequence: nonsense.
Genome position (GRCh38, 1-based): chr7:100,626,801, C>A on the plus strand (G>T on the coding strand, the complement: TFR2 is on the minus strand). VCF-style: chr7-100626801-C-A. GRCh37 (hg19) VCF-style: chr7-100224424-C-A.
Other names: c.1585G>T, p.Glu529Ter (NM_001206855.3); short protein forms E529*, E700*.
Identifiers: ClinVar variation 4815102 (VCV004815102.1).

ClinVar aggregate classification (germline): Likely pathogenic (1 of 4 stars; one submission).

Conditions:
Hemochromatosis type 3 (HFE3). Also called: HEMOCHROMATOSIS DUE TO DEFECT IN TRANSFERRIN RECEPTOR 2; Hereditary hemochromatosis type 3; TFR2-Related Hemochromatosis. Identifiers: Orphanet 225123, MedGen C1858664, MONDO:0011417, OMIM 604250.

Submission:

Natera, Inc.
Classification: Likely pathogenic for Hereditary hemochromatosis type 3. Last evaluated: 2024-12-19. Review status: criteria provided, single submitter. Criteria: Natera Variant Classification Schema (03/2026). Collection method: clinical testing. Allele origin: germline.
Comment: The c.2098G>T variant in TFR2 is a nonsense variant predicted to introduce a stop codon at amino acid 700. This variant is expected to result in nonsense mediated decay, truncation, or a dysfunctional protein product. This variant is rare in the general population with a frequency below the threshold expected for the associated phenotype(s). Given the available evidence, this variant is classified as Likely Pathogenic.